The following is an entry in ClinVar:

NM_007289.4(MME):c.1958G>A (p.Gly653Glu)

Gene: MME (membrane metalloendopeptidase; plus strand). Cytogenetic location: 3q25.2.
Variant type: single nucleotide variant.
Coding change: c.1958G>A on transcript NM_007289.4 (MANE Select); coding-DNA position 1958, G replaced by A.
Protein change: p.Gly653Glu; replaces glycine 653 with glutamic acid.
Molecular consequence: missense variant.
Genome position (GRCh38, 1-based): chr3:155,168,775, G>A. VCF-style: chr3-155168775-G-A. GRCh37 (hg19) VCF-style: chr3-154886564-G-A.
Other names: c.1958G>A, p.Gly653Glu (NM_000902.5, NM_001354642.2, NM_001354643.1 and 2 more transcripts); c.1958G>A (NM_007289.2); short protein forms G653E.
Identifiers: ClinVar variation 1518727 (VCV001518727.9), dbSNP rs201725139, ClinGen allele CA355218774.

ClinVar aggregate classification (germline): Uncertain significance. Review status: criteria provided, multiple submitters, no conflicts (2 of 4 stars). 2 submissions from 2 submitters: Uncertain significance (2). Last evaluated 2024-05-31.

Submissions (2):

GeneDx
Classification: Uncertain significance. Last evaluated: 2024-05-31. Review status: criteria provided, single submitter. Criteria: GeneDx Variant Classification Process June 2021. Collection method: clinical testing. Allele origin: germline. Affected: yes.
Comment: Not observed at significant frequency in large population cohorts (gnomAD); In silico analysis supports that this missense variant has a deleterious effect on protein structure/function; Has not been previously published as pathogenic or benign to our knowledge

Labcorp Genetics (formerly Invitae), Labcorp
Classification: Uncertain significance. Last evaluated: 2023-05-15. Review status: criteria provided, single submitter. Criteria: Invitae Variant Classification Sherloc (09022015). Collection method: clinical testing. Allele origin: germline.
Comment: This variant is not present in population databases (gnomAD no frequency). This variant has not been reported in the literature in individuals affected with MME-related conditions. This sequence change replaces glycine, which is neutral and non-polar, with glutamic acid, which is acidic and polar, at codon 653 of the MME protein (p.Gly653Glu). ClinVar contains an entry for this variant (Variation ID: 1518727). Advanced modeling of protein sequence and biophysical properties (such as structural, functional, and spatial information, amino acid conservation, physicochemical variation, residue mobility, and thermodynamic stability) performed at Invitae indicates that this missense variant is expected to disrupt MME protein function. In summary, the available evidence is currently insufficient to determine the role of this variant in disease. Therefore, it has been classified as a Variant of Uncertain Significance.